The following is an entry in ClinVar:

ClinVar aggregate classification (germline): Uncertain significance (1 of 4 stars; one submission).

Allele frequency attached by ClinVar (database versions not stated): TOPMed below 0.00001; gnomAD 0.00001.
gnomAD v4.1: 1 of 1,614,012 alleles (0.000062%); highest among the groups gnomAD compares: African/African-American, 0.0013%; no homozygotes.

Submission:

GeneDx
Classification: Uncertain significance. Last evaluated: 2023-10-02. Review status: criteria provided, single submitter. Criteria: GeneDx Variant Classification Process June 2021. Collection method: clinical testing. Allele origin: germline. Affected: yes.
Comment: Not observed at significant frequency in large population cohorts (gnomAD); In silico analysis supports that this missense variant does not alter protein structure/function; Has not been previously published as pathogenic or benign to our knowledge

NM_006734.4(HIVEP2):c.4865C>T (p.Ser1622Leu)

Gene: HIVEP2 (HIVEP zinc finger 2; minus strand). Cytogenetic location: 6q24.2.
Variant type: single nucleotide variant.
Coding change: c.4865C>T on transcript NM_006734.4 (MANE Select); coding-DNA position 4865, C replaced by T.
Protein change: p.Ser1622Leu; replaces serine 1622 with leucine.
Molecular consequence: missense variant.
Genome position (GRCh38, 1-based): chr6:142,769,874, G>A on the plus strand (C>T on the coding strand, the complement: HIVEP2 is on the minus strand). VCF-style: chr6-142769874-G-A. GRCh37 (hg19) VCF-style: chr6-143091011-G-A.
Other names: short protein forms S1622L.
Identifiers: ClinVar variation 3252449 (VCV003252449.1), dbSNP rs1775477091.